The following is an entry in ClinVar:

ClinVar aggregate classification (germline): Uncertain significance (1 of 4 stars; one submission).

Conditions:
Inborn genetic diseases. Identifiers: MedGen C0950123, MeSH D030342.

gnomAD v4.1: 1 of 1,611,684 alleles (0.000062%); highest among the groups gnomAD compares: South Asian, 0.0011%; no homozygotes.

Submission:

Ambry Genetics
Classification: Uncertain significance for Inborn genetic diseases. Last evaluated: 2026-03-29. Review status: criteria provided, single submitter. Criteria: Ambry Variant Classification Scheme 2023. Collection method: clinical testing. Allele origin: germline.
Comment: The p.R138H variant (also known as c.413G>A), located in coding exon 2 of the LTBP3 gene, results from a G to A substitution at nucleotide position 413. The arginine at codon 138 is replaced by histidine, an amino acid with highly similar properties. This amino acid position is conserved. In addition, the in silico prediction for this alteration is inconclusive. Based on the available evidence, the clinical significance of this variant remains unclear.

NM_001130144.3(LTBP3):c.413G>A (p.Arg138His)

Gene: LTBP3 (latent transforming growth factor beta binding protein 3; minus strand). Cytogenetic location: 11q13.1.
Variant type: single nucleotide variant.
Coding change: c.413G>A on transcript NM_001130144.3 (MANE Select); coding-DNA position 413, G replaced by A.
Protein change: p.Arg138His; replaces arginine 138 with histidine.
Molecular consequence: missense variant.
Genome position (GRCh38, 1-based): chr11:65,554,299, C>T on the plus strand (G>A on the coding strand, the complement: LTBP3 is on the minus strand). VCF-style: chr11-65554299-C-T. GRCh37 (hg19) VCF-style: chr11-65321770-C-T.
Other names: c.62G>A, p.Arg21His (NM_001164266.1); c.413G>A, p.Arg138His (NM_021070.4); short protein forms R138H, R21H.
Identifiers: ClinVar variation 4859309 (VCV004859309.1).